The following is an entry in ClinVar:

ClinVar aggregate classification (germline): Uncertain significance (1 of 4 stars; one submission).

Conditions:
Wolman disease (WOLD). Also called: Acid cholesteryl ester hydrolase deficiency, Wolman type; Acid lipase disease; LYSOSOMAL ACID LIPASE DEFICIENCY, ACUTE INFANTILE; LYSOSOMAL ACID LIPASE DEFICIENCY, COMPLETE; LIPA DEFICIENCY, COMPLETE; LAL DEFICIENCY, COMPLETE. Identifiers: Orphanet 75233, MedGen C0043208, MONDO:0019148, OMIM 620151.

Submission:

Labcorp Genetics (formerly Invitae), Labcorp
Classification: Uncertain significance for Wolman disease. Last evaluated: 2022-09-19. Review status: criteria provided, single submitter. Criteria: Invitae Variant Classification Sherloc (09022015). Collection method: clinical testing. Allele origin: germline.
Comment: Advanced modeling of protein sequence and biophysical properties (such as structural, functional, and spatial information, amino acid conservation, physicochemical variation, residue mobility, and thermodynamic stability) performed at Invitae indicates that this missense variant is not expected to disrupt LIPA protein function. In summary, the available evidence is currently insufficient to determine the role of this variant in disease. Therefore, it has been classified as a Variant of Uncertain Significance. This variant has not been reported in the literature in individuals affected with LIPA-related conditions. This variant is not present in population databases (gnomAD no frequency). This sequence change replaces phenylalanine, which is neutral and non-polar, with leucine, which is neutral and non-polar, at codon 233 of the LIPA protein (p.Phe233Leu).

NM_000235.4(LIPA):c.697T>C (p.Phe233Leu)

Gene: LIPA (lipase A, lysosomal acid type; minus strand). Cytogenetic location: 10q23.31.
Variant type: single nucleotide variant.
Coding change: c.697T>C on transcript NM_000235.4 (MANE Select); coding-DNA position 697, T replaced by C.
Protein change: p.Phe233Leu; replaces phenylalanine 233 with leucine.
Molecular consequence: missense variant.
Genome position (GRCh38, 1-based): chr10:89,223,809, A>G on the plus strand (T>C on the coding strand, the complement: LIPA is on the minus strand). VCF-style: chr10-89223809-A-G. GRCh37 (hg19) VCF-style: chr10-90983566-A-G.
Other names: c.697T>C, p.Phe233Leu (NM_001127605.3); c.349T>C, p.Phe117Leu (NM_001288979.2); short protein forms F233L, F117L.
Identifiers: ClinVar variation 2104523 (VCV002104523.4), dbSNP rs2495580054, ClinGen allele CA377517085.
Genomic context (GRCh38, chr10:89,223,809, plus strand): 5'-GTATGACATGAGTGCAAACGTGGGTACCCAGCCACTTCAAAAACGCACTCTGGGGAAGAA[A>G]TTCTTTGTCTCCAAATAAGTCCTACAAAATAAAAAGAAACCCAAGAACATCTCAGCATTT-3'
Protein context (NP_000226.2, residues 223-243): LIKDLFGDKE[Phe233Leu]LPQSAFLKWL